The following is an entry in ClinVar:

NM_000218.3(KCNQ1):c.718C>T (p.His240Tyr)

Gene: KCNQ1 (potassium voltage-gated channel subfamily Q member 1; plus strand). Cytogenetic location: 11p15.5.
Variant type: single nucleotide variant.
Coding change: c.718C>T on transcript NM_000218.3 (MANE Select); coding-DNA position 718, C replaced by T.
Protein change: p.His240Tyr; replaces histidine 240 with tyrosine.
Molecular consequence: missense variant. On other transcripts: intron variant (1).
Genome position (GRCh38, 1-based): chr11:2,572,047, C>T. VCF-style: chr11-2572047-C-T. GRCh37 (hg19) VCF-style: chr11-2593277-C-T.
Other names: c.718C>T, p.His240Tyr (NM_001406836.1); c.448C>T, p.His150Tyr (NM_001406837.1); c.337C>T, p.His113Tyr (NM_181798.2); c.478-11388C>T (NM_001406838.1); short protein forms H113Y, H150Y, H240Y.
Identifiers: ClinVar variation 3386925 (VCV003386925.1).

ClinVar aggregate classification (germline): Uncertain significance (1 of 4 stars; one submission).

Conditions:
Long QT syndrome (LQTS). Identifiers: MedGen C0023976, MeSH D008133, MONDO:0002442. Disease mechanism: loss of function. Inheritance: Various modes of inheritance.

Submission:

All of Us Research Program, National Institutes of Health
Classification: Uncertain significance for Long QT syndrome. Last evaluated: 2024-03-05. Review status: criteria provided, single submitter. Criteria: ACMG Guidelines, 2015. Collection method: clinical testing. Allele origin: germline. Inheritance: Autosomal dominant inheritance. Observed: 1 variant allele, 1 heterozygote.
Comment: This study involves interpretation of variants in research participants for the purpose of population health screening. Participant phenotype was not available at the time of variant classification. Additional details can be found in publication PMID: 35346344, PMCID: PMC8962531